The following is an entry in ClinVar:

ClinVar aggregate classification (germline): Uncertain significance (1 of 4 stars; one submission).

Conditions:
Autosomal dominant limb-girdle muscular dystrophy type 1G (LGMDD3). Also called: Limb-girdle muscular dystrophy, type 1G; MUSCULAR DYSTROPHY, LIMB-GIRDLE, AUTOSOMAL DOMINANT 3. Identifiers: Orphanet 55596, MedGen C1836765, MONDO:0012193, OMIM 609115.

Allele frequency attached by ClinVar (database versions not stated): gnomAD exomes 0.00001.
gnomAD v4.1: 2 of 1,366,628 alleles (0.00015%); highest among the groups gnomAD compares: Non-Finnish European, 0.00019%; no homozygotes.

Submission:

Labcorp Genetics (formerly Invitae), Labcorp
Classification: Uncertain significance for Autosomal dominant limb-girdle muscular dystrophy type 1G. Last evaluated: 2022-08-16. Review status: criteria provided, single submitter. Criteria: Invitae Variant Classification Sherloc (09022015). Collection method: clinical testing. Allele origin: germline.
Comment: In summary, the available evidence is currently insufficient to determine the role of this variant in disease. Therefore, it has been classified as a Variant of Uncertain Significance. Algorithms developed to predict the effect of missense changes on protein structure and function are either unavailable or do not agree on the potential impact of this missense change (SIFT: "Deleterious"; PolyPhen-2: "Possibly Damaging"; Align-GVGD: "Class C0"). ClinVar contains an entry for this variant (Variation ID: 533021). This variant has not been reported in the literature in individuals affected with HNRNPDL-related conditions. This variant is not present in population databases (gnomAD no frequency). This sequence change replaces proline, which is neutral and non-polar, with leucine, which is neutral and non-polar, at codon 12 of the HNRNPDL protein (p.Pro12Leu).

NM_031372.4(HNRNPDL):c.35C>T (p.Pro12Leu)

Gene: HNRNPDL (heterogeneous nuclear ribonucleoprotein D like; minus strand). Cytogenetic location: 4q21.22.
Variant type: single nucleotide variant.
Coding change: c.35C>T on transcript NM_031372.4 (MANE Select); coding-DNA position 35, C replaced by T.
Protein change: p.Pro12Leu; replaces proline 12 with leucine.
Molecular consequence: missense variant. On other transcripts: non-coding transcript variant (1).
Genome position (GRCh38, 1-based): chr4:82,429,656, G>A on the plus strand (C>T on the coding strand, the complement: HNRNPDL is on the minus strand). VCF-style: chr4-82429656-G-A. GRCh37 (hg19) VCF-style: chr4-83350809-G-A.
Other names: c.35C>T, p.Pro12Leu (NM_001207000.1); short protein forms P12L.
Identifiers: ClinVar variation 533021 (VCV000533021.9), dbSNP rs1362920184, ClinGen allele CA357174097.